The following is an entry in ClinVar:

ClinVar aggregate classification (germline): Benign/Likely benign. Review status: criteria provided, multiple submitters, no conflicts (2 of 4 stars). 5 submissions from 5 submitters: Benign (3); Likely benign (2). Last evaluated 2026-02-03.

Conditions:
Kabuki syndrome. Also called: NIIKAWA-KUROKI SYNDROME; Kabuki make-up syndrome. Identifiers: Orphanet 2322, MedGen C0796004, MONDO:0016512.

Allele frequency attached by ClinVar (database versions not stated): gnomAD exomes 0.00263 and 0.00105; ExAC 0.00330; gnomAD 0.01064 and 0.01140; TOPMed 0.01229; 1000 Genomes Project 0.01358; 1000 Genomes Project 30x 0.01437; ESP Exome Variant Server 0.00016.
gnomAD v4.1: 3,238 of 1,604,800 alleles (0.2%); highest among the groups gnomAD compares: African/African-American, 3.6%; 64 homozygotes.

Submissions (5):

Labcorp Genetics (formerly Invitae), Labcorp
Classification: Benign for Kabuki syndrome. Last evaluated: 2026-02-03. Review status: criteria provided, single submitter. Criteria: Invitae Variant Classification Sherloc (09022015). Collection method: clinical testing. Allele origin: germline.

GeneDx
Classification: Benign. Last evaluated: 2017-04-04. Review status: criteria provided, single submitter. Criteria: GeneDx Variant Classification (06012015). Collection method: clinical testing. Allele origin: germline. Affected: yes.
Comment: This variant is considered likely benign or benign based on one or more of the following criteria: it is a conservative change, it occurs at a poorly conserved position in the protein, it is predicted to be benign by multiple in silico algorithms, and/or has population frequency not consistent with disease.

Genetic Services Laboratory, University of Chicago
Classification: Likely benign. Last evaluated: 2014-12-12. Review status: criteria provided, single submitter. Criteria: ACMG Guidelines, 2015. Collection method: clinical testing. Allele origin: germline.

Eurofins Ntd Llc (ga)
Classification: Benign. Last evaluated: 2013-05-22. Review status: criteria provided, single submitter. Criteria: EGL Classification Definitions 2015. Collection method: clinical testing. Allele origin: germline. Observed: 8 variant alleles, 8 heterozygotes.

Breakthrough Genomics
Classification: Likely benign. Review status: criteria provided, single submitter. Criteria: ACMG Guidelines, 2015. Collection method: not provided. Allele origin: germline. Inheritance: Autosomal dominant inheritance. Affected: yes.

NM_003482.4(KMT2D):c.8047-15C>T

Gene: KMT2D (lysine methyltransferase 2D; minus strand). Cytogenetic location: 12q13.12.
Variant type: single nucleotide variant.
Coding change: c.8047-15C>T on transcript NM_003482.4 (MANE Select); 15 bases into the intron before coding-DNA position 8047, C replaced by T.
Molecular consequence: intron variant.
Genome position (GRCh38, 1-based): chr12:49,039,632, G>A on the plus strand (C>T on the coding strand, the complement: KMT2D is on the minus strand). VCF-style: chr12-49039632-G-A. GRCh37 (hg19) VCF-style: chr12-49433415-G-A.
Identifiers: ClinVar variation 94255 (VCV000094255.19), dbSNP rs202244933, ClinGen allele CA147710.